The following is an entry in ClinVar:

ClinVar aggregate classification (germline): Benign (1 of 4 stars; one submission).

Conditions:
Episodic ataxia type 5. Identifiers: Orphanet 211067, MedGen C1866039, MONDO:0013464, OMIM 613855.

Allele frequency attached by ClinVar (database versions not stated): 1000 Genomes Project 30x 0.00031; 1000 Genomes Project 0.00040; gnomAD 0.00091 and 0.00103; TOPMed 0.00105.

Submission:

Illumina Laboratory Services, Illumina
Classification: Benign for Episodic ataxia type 5. Last evaluated: 2018-01-13. Review status: criteria provided, single submitter. Criteria: ICSL Variant Classification Criteria 13 December 2019. Collection method: clinical testing. Allele origin: germline.
Comment: This variant was observed in the ICSL laboratory as part of a predisposition screen in an ostensibly healthy population. It had not been previously curated by ICSL or reported in the Human Gene Mutation Database (HGMD: prior to June 1st, 2018), and was therefore a candidate for classification through an automated scoring system. Utilizing variant allele frequency, disease prevalence and penetrance estimates, and inheritance mode, an automated score was calculated to assess if this variant is too frequent to cause the disease. Based on the score and internal cut-off values, a variant classified as benign is not then subjected to further curation. The score for this variant resulted in a classification of benign for this disease.

NM_000726.5(CACNB4):c.*4139A>C

Gene: CACNB4 (calcium voltage-gated channel auxiliary subunit beta 4; minus strand). Cytogenetic location: 2q23.3.
Variant type: single nucleotide variant.
Coding change: c.*4139A>C on transcript NM_000726.5 (MANE Select); 4139 bases downstream of the stop codon, A replaced by C.
Molecular consequence: 3 prime UTR variant.
Genome position (GRCh38, 1-based): chr2:151,834,980, T>G on the plus strand (A>C on the coding strand, the complement: CACNB4 is on the minus strand). VCF-style: chr2-151834980-T-G. GRCh37 (hg19) VCF-style: chr2-152691494-T-G.
Other names: c.*4139A>C (NM_001005746.4, NM_001005747.4, NM_001145798.3 and 7 more transcripts).
Identifiers: ClinVar variation 894255 (VCV000894255.4), dbSNP rs193274639, ClinGen allele CA57681884.